The following is an entry in ClinVar:

ClinVar aggregate classification (germline): Likely benign. Review status: criteria provided, multiple submitters, no conflicts (2 of 4 stars). 2 submissions from 2 submitters: Likely benign (2). Last evaluated 2025-08-29.

Conditions:
COL18A1-related disorder. Also called: COL18A1-related disorders; COL18A1-related condition.

Allele frequency attached by ClinVar (database versions not stated): gnomAD exomes below 0.00001 and 0.00001; gnomAD 0.00001.
gnomAD v4.1: 2 of 1,541,374 alleles (0.00013%); highest among the groups gnomAD compares: Admixed American, 0.0019%; no homozygotes.

Submissions (2):

Labcorp Genetics (formerly Invitae), Labcorp
Classification: Likely benign. Last evaluated: 2025-08-29. Review status: criteria provided, single submitter. Criteria: Invitae Variant Classification Sherloc (09022015). Collection method: clinical testing. Allele origin: germline.

PreventionGenetics, part of Exact Sciences
Classification: Likely benign for COL18A1-related condition. Last evaluated: 2019-10-25. Review status: criteria provided, single submitter. Criteria: ACMG Guidelines, 2015. Collection method: clinical testing. Allele origin: germline.
Comment: This variant is classified as likely benign based on ACMG/AMP sequence variant interpretation guidelines (Richards et al. 2015 PMID: 25741868, with internal and published modifications).

NM_001379500.1(COL18A1):c.3303C>T (p.Asn1101=)

Genes: COL18A1 (collagen type XVIII alpha 1 chain; plus strand), SLC19A1 (solute carrier family 19 member 1; minus strand). Cytogenetic location: 21q22.3.
Variant type: single nucleotide variant.
Coding change: c.3303C>T on transcript NM_001379500.1 (MANE Select); coding-DNA position 3303, C replaced by T.
Protein change: p.Asn1101=; no amino-acid change (asparagine 1101 retained).
Molecular consequence: synonymous variant.
Genome position (GRCh38, 1-based): chr21:45,509,409, C>T. VCF-style: chr21-45509409-C-T. GRCh37 (hg19) VCF-style: chr21-46929323-C-T.
Other names: c.3834C>T, p.Asn1278= (NM_030582.4); c.4539C>T, p.Asn1513= (NM_130444.3); c.3834C>T (NM_030582.3).
Identifiers: ClinVar variation 1534517 (VCV001534517.9), dbSNP rs768986320, ClinGen allele CA10067846.